The following is an entry in ClinVar:

ClinVar aggregate classification (germline): Uncertain significance (1 of 4 stars; one submission).

Conditions:
Hereditary breast ovarian cancer syndrome. Also called: BRCA1- and BRCA2-Associated Hereditary Breast and Ovarian Cancer; Hereditary breast and ovarian cancer; Hereditary breast and ovarian cancer syndrome (HBOC); Hereditary breast and/or ovarian cancer syndrome; Hereditary breast and ovarian cancer syndrome; Breast and ovarian cancer. Identifiers: Orphanet 145, MedGen C0677776, MeSH D061325, MONDO:0003582. Disease mechanism: loss of function.

Submission:

Labcorp Genetics (formerly Invitae), Labcorp
Classification: Uncertain significance for Hereditary breast ovarian cancer syndrome. Last evaluated: 2022-05-13. Review status: criteria provided, single submitter. Criteria: Invitae Variant Classification Sherloc (09022015). Collection method: clinical testing. Allele origin: germline.
Comment: This variant has not been reported in the literature in individuals affected with BRCA1-related conditions. In summary, the available evidence is currently insufficient to determine the role of this variant in disease. Therefore, it has been classified as a Variant of Uncertain Significance. Advanced modeling of protein sequence and biophysical properties (such as structural, functional, and spatial information, amino acid conservation, physicochemical variation, residue mobility, and thermodynamic stability) performed at Invitae indicates that this missense variant is not expected to disrupt BRCA1 protein function. This variant is not present in population databases (gnomAD no frequency). This sequence change replaces proline, which is neutral and non-polar, with threonine, which is neutral and polar, at codon 1523 of the BRCA1 protein (p.Pro1523Thr).

NM_007294.4(BRCA1):c.4567C>A (p.Pro1523Thr)

Gene: BRCA1 (BRCA1 DNA repair associated; minus strand). Cytogenetic location: 17q21.31.
Variant type: single nucleotide variant.
Coding change: c.4567C>A on transcript NM_007294.4 (MANE Select); coding-DNA position 4567, C replaced by A.
Protein change: p.Pro1523Thr; replaces proline 1523 with threonine.
Molecular consequence: missense variant. On other transcripts: non-coding transcript variant (1).
Genome position (GRCh38, 1-based): chr17:43,074,439, G>T on the plus strand (C>A on the coding strand, the complement: BRCA1 is on the minus strand). VCF-style: chr17-43074439-G-T. GRCh37 (hg19) VCF-style: chr17-41226456-G-T.
Other names: c.4354C>A, p.Pro1452Thr (NM_001407571.1, NM_001407894.1, NM_001407895.1 and 12 more transcripts); c.4633C>A, p.Pro1545Thr (NM_001407581.1, NM_001407582.1); c.4630C>A, p.Pro1544Thr (NM_001407583.1, NM_001407585.1, NM_001407587.1 and 1 more transcripts); c.4627C>A, p.Pro1543Thr (NM_001407590.1, NM_001407591.1); c.4567C>A, p.Pro1523Thr (NM_001407593.1, NM_001407594.1, NM_001407596.1 and 8 more transcripts); c.4564C>A, p.Pro1522Thr (NM_001407610.1, NM_001407611.1, NM_001407612.1 and 17 more transcripts); c.4561C>A, p.Pro1521Thr (NM_001407627.1, NM_001407628.1, NM_001407629.1 and 14 more transcripts); c.4558C>A, p.Pro1520Thr (NM_001407644.1, NM_001407645.1); and 68 more; short protein forms P1395T, P1433T, P1476T, P1497T, P1504T, P1518T, P1519T, P293T.
Identifiers: ClinVar variation 1993943 (VCV001993943.4), dbSNP rs1390166929, ClinGen allele CA10592381.